The following is an entry in ClinVar:

NM_003482.4(KMT2D):c.6796G>C (p.Gly2266Arg)

Gene: KMT2D (lysine methyltransferase 2D; minus strand). Cytogenetic location: 12q13.12.
Variant type: single nucleotide variant.
Coding change: c.6796G>C on transcript NM_003482.4 (MANE Select); coding-DNA position 6796, G replaced by C.
Protein change: p.Gly2266Arg; replaces glycine 2266 with arginine.
Molecular consequence: missense variant.
Genome position (GRCh38, 1-based): chr12:49,040,974, C>G on the plus strand (G>C on the coding strand, the complement: KMT2D is on the minus strand). VCF-style: chr12-49040974-C-G. GRCh37 (hg19) VCF-style: chr12-49434757-C-G.
Other names: short protein forms G2266R.
Identifiers: ClinVar variation 4823581 (VCV004823581.4).
Genomic context (GRCh38, chr12:49,040,974, plus strand): 5'-CTAGGGCCTTCCGGGACTCCCCAAAAGGTGGGGGCGAGAGCAGGGGCTCGGAAGCTTTGC[C>G]TCCCCCTACCCCAGGGCTCTCAGGCACAGCCAAGTTATCCAGCGAGGGGCAGCGGGGTTT-3'
Protein context (NP_003473.3, residues 2256-2276): AVPESPGVGG[Gly2266Arg]KASEPLLSPP

ClinVar aggregate classification (germline): Uncertain significance (1 of 4 stars; one submission).

gnomAD v4.1: 1 of 1,608,628 alleles (0.000062%); highest among the groups gnomAD compares: Non-Finnish European, 0.000085%; no homozygotes.

Submission:

CeGaT Center for Human Genetics Tuebingen
Classification: Uncertain significance. Last evaluated: 2026-03-01. Review status: criteria provided, single submitter. Criteria: CeGaT Center For Human Genetics Tuebingen Variant Classification Criteria Version 2. Collection method: clinical testing. Allele origin: germline. Affected: yes. Observed: 1 variant allele.
Comment: KMT2D: PM2, BP4